The following is an entry in ClinVar:

NM_000261.2(MYOC):c.42G>A (p.Glu14=)

Gene: MYOC (myocilin; minus strand). Cytogenetic location: 1q24.3.
Variant type: single nucleotide variant.
Coding change: c.42G>A on transcript NM_000261.2 (MANE Select); coding-DNA position 42, G replaced by A.
Protein change: p.Glu14=; no amino-acid change (glutamic acid 14 retained).
Molecular consequence: synonymous variant.
Genome position (GRCh38, 1-based): chr1:171,652,570, C>T on the plus strand (G>A on the coding strand, the complement: MYOC is on the minus strand). VCF-style: chr1-171652570-C-T. GRCh37 (hg19) VCF-style: chr1-171621710-C-T.
Other names: NM_000261.2:c.42G>A; c.42G>A (NM_000261.1).
Identifiers: ClinVar variation 2500832 (VCV002500832.3), dbSNP rs775057307, ClinGen allele CA1244341.

ClinVar aggregate classification (germline): Uncertain significance. Review status: reviewed by expert panel (3 of 4 stars). 2 submissions from 2 submitters: Uncertain significance (1). 1 of the submissions does not count toward it. Last evaluated 2025-12-03.

Conditions:
MYOC-related disorder. Also called: MYOC-related disorders; MYOC-related condition. Identifiers: MedGen CN239330.
Open-angle glaucoma. Identifiers: MedGen C0017612, MONDO:0005338, HP:0012108.

Allele frequency attached by ClinVar (database versions not stated): gnomAD exomes 0.00001; ExAC 0.00001.

Submissions (2):

ClinGen Glaucoma Variant Curation Expert Panel
Classification: Uncertain significance for Open-angle glaucoma. Last evaluated: 2025-12-03. Review status: reviewed by expert panel. Criteria: ClinGen Glaucoma ACMG Specifications V2.0.0 Approved. Collection method: curation. Allele origin: germline. Inheritance: Autosomal dominant inheritance.
Comment: The c.42G>A variant in MYOC is a synonymous variant (p.Glu14=). The highest minor allele frequency of this variant was in the Admixed American genetic ancestry group of gnomAD (v4.1.0) = 0.00006666 (4 alleles out of 60,010), which met the ≤ 0.0001 threshold set for PM2_Supporting in a genetic ancestry group of at least 10,000 alleles. The SpliceAI score = 0, which met the ≤ 0.1 threshold for BP4, suggesting that the variant does not impact MYOC function. This synonymous variant meets BP4, so BP7 is met. There was no functional evidence predicting a damaging or benign impact of this variant on MYOC function. 3 probands with JOAG have been reported carrying this variant (PMID: 39998747), which met PS4_Supporting (≥ 2 probands). In summary, this variant met the criteria to receive a score of 0 and to be classified as a variant of uncertain significance (uncertain significance classification range -1 to 5, adapted from PMID: 32720330) for juvenile open angle glaucoma based on the ACMG/AMP criteria met, as specified by the ClinGen Glaucoma VCEP (v2.0.0, 5 Dec 2024): BP4, BP7, PS4_Supporting, PM2_Supporting.

PreventionGenetics, part of Exact Sciences
Classification: Likely benign for MYOC-related condition. Last evaluated: 2025-09-24. Review status: criteria provided, single submitter. Criteria: ACMG Guidelines, 2015. Collection method: clinical testing. Allele origin: germline. Not counted in ClinVar's aggregate classification.
Comment: This variant is classified as likely benign based on ACMG/AMP sequence variant interpretation guidelines (Richards et al. 2015 PMID: 25741868, with internal and published modifications).